The following is an entry in ClinVar:

NM_000465.4(BARD1):c.2167C>T (p.His723Tyr)

Gene: BARD1 (BRCA1 associated RING domain 1; minus strand). Cytogenetic location: 2q35.
Variant type: single nucleotide variant.
Coding change: c.2167C>T on transcript NM_000465.4 (MANE Select); coding-DNA position 2167, C replaced by T.
Protein change: p.His723Tyr; replaces histidine 723 with tyrosine.
Molecular consequence: missense variant. On other transcripts: non-coding transcript variant (3).
Genome position (GRCh38, 1-based): chr2:214,728,843, G>A on the plus strand (C>T on the coding strand, the complement: BARD1 is on the minus strand). VCF-style: chr2-214728843-G-A. GRCh37 (hg19) VCF-style: chr2-215593567-G-A.
Other names: c.2110C>T, p.His704Tyr (NM_001282543.2); c.814C>T, p.His272Tyr (NM_001282545.2); c.757C>T, p.His253Tyr (NM_001282548.2); c.628C>T, p.His210Tyr (NM_001282549.2); short protein forms H723Y, H210Y, H704Y, H253Y, H272Y.
Identifiers: ClinVar variation 820831 (VCV000820831.18), dbSNP rs1245669447, ClinGen allele CA350450414.

ClinVar aggregate classification (germline): Uncertain significance. Review status: criteria provided, multiple submitters, no conflicts (2 of 4 stars). 4 submissions from 4 submitters: Uncertain significance (4). Last evaluated 2025-08-11.

Conditions:
Familial cancer of breast. Also called: BREAST CANCER, FAMILIAL; Hereditary breast cancer; hereditary breast carcinoma. Identifiers: Orphanet 227535, MedGen C0346153, MONDO:0016419, OMIM 114480. Disease mechanism: loss of function.
Hereditary cancer-predisposing syndrome. Also called: Neoplastic Syndromes, Hereditary; Tumor predisposition; Hereditary Cancer Syndrome; Hereditary neoplastic syndrome. Identifiers: Orphanet 140162, MedGen C0027672, MeSH D009386, MONDO:0015356.

Allele frequency attached by ClinVar (database versions not stated): gnomAD exomes below 0.00001.
gnomAD v4.1: 2 of 1,614,182 alleles (0.00012%); highest among the groups gnomAD compares: African/African-American, 0.0013%; no homozygotes.

Submissions (4):

Labcorp Genetics (formerly Invitae), Labcorp
Classification: Uncertain significance for Familial cancer of breast. Last evaluated: 2025-08-11. Review status: criteria provided, single submitter. Criteria: Invitae Variant Classification Sherloc (09022015). Collection method: clinical testing. Allele origin: germline.
Comment: This sequence change replaces histidine, which is basic and polar, with tyrosine, which is neutral and polar, at codon 723 of the BARD1 protein (p.His723Tyr). This variant is present in population databases (no rsID available, gnomAD 0.007%). This variant has not been reported in the literature in individuals affected with BARD1-related conditions. ClinVar contains an entry for this variant (Variation ID: 820831). An algorithm developed to predict the effect of missense changes on protein structure and function (PolyPhen-2) suggests that this variant is likely to be disruptive. In summary, the available evidence is currently insufficient to determine the role of this variant in disease. Therefore, it has been classified as a Variant of Uncertain Significance.

Ambry Genetics
Classification: Uncertain significance for Hereditary cancer-predisposing syndrome. Last evaluated: 2025-04-28. Review status: criteria provided, single submitter. Criteria: Ambry Variant Classification Scheme 2023. Collection method: clinical testing. Allele origin: germline.
Comment: The p.H723Y variant (also known as c.2167C>T), located in coding exon 11 of the BARD1 gene, results from a C to T substitution at nucleotide position 2167. The histidine at codon 723 is replaced by tyrosine, an amino acid with similar properties. This amino acid position is highly conserved in available vertebrate species. In addition, this alteration is predicted to be deleterious by in silico analysis. Since supporting evidence is limited at this time, the clinical significance of this alteration remains unclear.

GeneDx
Classification: Uncertain significance. Last evaluated: 2022-12-29. Review status: criteria provided, single submitter. Criteria: GeneDx Variant Classification Process June 2021. Collection method: clinical testing. Allele origin: germline. Affected: yes.
Comment: Not observed at significant frequency in large population cohorts (gnomAD); In silico analysis supports that this missense variant has a deleterious effect on protein structure/function; Has not been previously published as pathogenic or benign to our knowledge; This variant is associated with the following publications: (PMID: 17550235)

Department of Pathology and Laboratory Medicine, Sinai Health System
Classification: Uncertain significance for Familial cancer of breast. Last evaluated: 2020-02-21. Review status: criteria provided, single submitter. Criteria: ACMG Guidelines, 2015. Collection method: clinical testing. Allele origin: germline. Affected: yes.